The following is an entry in ClinVar:

ClinVar aggregate classification (germline): Likely benign. Review status: criteria provided, single submitter (1 of 4 stars). 2 submissions from 2 submitters: Likely benign (1). 1 of the submissions does not count toward it. Last evaluated 2026-07-01.

Conditions:
MN1-related disorder. Also called: MN1-related condition.

Allele frequency attached by ClinVar (database versions not stated): 1000 Genomes Project 30x 0.00047; 1000 Genomes Project 0.00060; ESP Exome Variant Server 0.00148; gnomAD 0.00157; ExAC 0.00287.
gnomAD v4.1: 3,778 of 1,575,798 alleles (0.24%); highest among the groups gnomAD compares: Non-Finnish European, 0.3%; 13 homozygotes.

Submissions (2):

CeGaT Center for Human Genetics Tuebingen
Classification: Likely benign. Last evaluated: 2026-07-01. Review status: criteria provided, single submitter. Criteria: CeGaT Center For Human Genetics Tuebingen Variant Classification Criteria Version 2. Collection method: clinical testing. Allele origin: germline. Affected: yes. Observed: 13 variant alleles.
Comment: MN1: BS2

PreventionGenetics, part of Exact Sciences
Classification: Likely benign for MN1-related condition. Last evaluated: 2019-06-19. Review status: no assertion criteria provided. Collection method: clinical testing. Allele origin: germline. Not counted in ClinVar's aggregate classification.
Comment: This variant is classified as likely benign based on ACMG/AMP sequence variant interpretation guidelines (Richards et al. 2015 PMID: 25741868, with internal and published modifications).

NM_002430.3(MN1):c.817G>T (p.Ala273Ser)

Gene: MN1 (MN1 proto-oncogene, transcriptional regulator; minus strand). Cytogenetic location: 22q12.1.
Variant type: single nucleotide variant.
Coding change: c.817G>T on transcript NM_002430.3 (MANE Select); coding-DNA position 817, G replaced by T.
Protein change: p.Ala273Ser; replaces alanine 273 with serine.
Molecular consequence: missense variant.
Genome position (GRCh38, 1-based): chr22:27,799,727, C>A on the plus strand (G>T on the coding strand, the complement: MN1 is on the minus strand). VCF-style: chr22-27799727-C-A. GRCh37 (hg19) VCF-style: chr22-28195715-C-A.
Other names: c.817G>T (NM_002430.2); short protein forms A273S.
Identifiers: ClinVar variation 2653030 (VCV002653030.25), dbSNP rs201186821, ClinGen allele CA10166511.